The following is an entry in ClinVar:

NM_181882.3(PRX):c.2948C>G (p.Ala983Gly)

Gene: PRX (periaxin; minus strand). Cytogenetic location: 19q13.2.
Variant type: single nucleotide variant.
Coding change: c.2948C>G on transcript NM_181882.3 (MANE Select); coding-DNA position 2948, C replaced by G.
Protein change: p.Ala983Gly; replaces alanine 983 with glycine.
Molecular consequence: missense variant. On other transcripts: 3 prime UTR variant (1).
Genome position (GRCh38, 1-based): chr19:40,395,404, G>C on the plus strand (C>G on the coding strand, the complement: PRX is on the minus strand). VCF-style: chr19-40395404-G-C. GRCh37 (hg19) VCF-style: chr19-40901311-G-C.
Other names: c.3233C>G, p.Ala1078Gly (NM_001411127.1); c.*3153C>G (NM_020956.2); short protein forms A983G, A1078G.
Identifiers: ClinVar variation 3675265 (VCV003675265.2).

ClinVar aggregate classification (germline): Uncertain significance (1 of 4 stars; one submission).

Conditions:
Charcot-Marie-Tooth disease type 4. Also called: Charcot-Marie-Tooth disease, type IV; Charcot-Marie-Tooth, Type 4. Identifiers: Orphanet 64749, MedGen C4082197, MONDO:0018995.

Submission:

Labcorp Genetics (formerly Invitae), Labcorp
Classification: Uncertain significance for Charcot-Marie-Tooth disease type 4. Last evaluated: 2024-10-03. Review status: criteria provided, single submitter. Criteria: Invitae Variant Classification Sherloc (09022015). Collection method: clinical testing. Allele origin: germline.
Comment: This sequence change replaces alanine, which is neutral and non-polar, with glycine, which is neutral and non-polar, at codon 983 of the PRX protein (p.Ala983Gly). This variant is not present in population databases (gnomAD no frequency). This variant has not been reported in the literature in individuals affected with PRX-related conditions. Invitae Evidence Modeling of protein sequence and biophysical properties (such as structural, functional, and spatial information, amino acid conservation, physicochemical variation, residue mobility, and thermodynamic stability) indicates that this missense variant is not expected to disrupt PRX protein function with a negative predictive value of 80%. In summary, the available evidence is currently insufficient to determine the role of this variant in disease. Therefore, it has been classified as a Variant of Uncertain Significance.